The following is an entry in ClinVar:

NM_015662.3(IFT172):c.1435A>G (p.Ile479Val)

Gene: IFT172 (intraflagellar transport 172; minus strand). Cytogenetic location: 2p23.3.
Variant type: single nucleotide variant.
Coding change: c.1435A>G on transcript NM_015662.3 (MANE Select); coding-DNA position 1435, A replaced by G.
Protein change: p.Ile479Val; replaces isoleucine 479 with valine.
Molecular consequence: missense variant.
Genome position (GRCh38, 1-based): chr2:27,472,339, T>C on the plus strand (A>G on the coding strand, the complement: IFT172 is on the minus strand). VCF-style: chr2-27472339-T-C. GRCh37 (hg19) VCF-style: chr2-27695206-T-C.
Other names: short protein forms I479V.
Identifiers: ClinVar variation 1390989 (VCV001390989.7), dbSNP rs1667635292, ClinGen allele CA346391676.
Genomic context (GRCh38, chr2:27,472,339, plus strand): 5'-TGTGTCCAGTCTCATTAAGTTCCAGCCAATCCACACGGCTCTCATGGCTGACGGTGCCAA[T>C]GTTGTAGCCACCAATCAGATCCACTATAGAATAAAGGAGACAGGGTTAAGAAGAGAGATT-3'
Protein context (NP_056477.1, residues 469-489): AIVDLIGGYN[Ile479Val]GTVSHESRVD

ClinVar aggregate classification (germline): Uncertain significance. Review status: criteria provided, multiple submitters, no conflicts (2 of 4 stars). 2 submissions from 2 submitters: Uncertain significance (2). Last evaluated 2025-08-21.

Conditions:
Retinitis pigmentosa 71 (RP71). Identifiers: Orphanet 791, MedGen C4225342, MONDO:0014618, OMIM 616394.
Short-rib thoracic dysplasia 10 with or without polydactyly (SRTD10). Identifiers: Orphanet 474, MedGen C3810175, MONDO:0014284, OMIM 615630.
Bardet-Biedl syndrome 20. Identifiers: MedGen C4310707, MONDO:0023670, OMIM 619471, MONDO:0014926.

Allele frequency attached by ClinVar (database versions not stated): gnomAD exomes below 0.00001.
gnomAD v4.1: 1 of 1,614,006 alleles (0.000062%); highest among the groups gnomAD compares: Non-Finnish European, 0.000085%; no homozygotes.

Submissions (2):

Labcorp Genetics (formerly Invitae), Labcorp
Classification: Uncertain significance for Retinitis pigmentosa 71; Short-rib thoracic dysplasia 10 with or without polydactyly. Last evaluated: 2025-08-21. Review status: criteria provided, single submitter. Criteria: Invitae Variant Classification Sherloc (09022015). Collection method: clinical testing. Allele origin: germline.
Comment: This sequence change replaces isoleucine, which is neutral and non-polar, with valine, which is neutral and non-polar, at codon 479 of the IFT172 protein (p.Ile479Val). This variant is not present in population databases (gnomAD no frequency). This variant has not been reported in the literature in individuals affected with IFT172-related conditions. ClinVar contains an entry for this variant (Variation ID: 1390989). Invitae Evidence Modeling of protein sequence and biophysical properties (such as structural, functional, and spatial information, amino acid conservation, physicochemical variation, residue mobility, and thermodynamic stability) indicates that this missense variant is not expected to disrupt IFT172 protein function with a negative predictive value of 95%. In summary, the available evidence is currently insufficient to determine the role of this variant in disease. Therefore, it has been classified as a Variant of Uncertain Significance.

Fulgent Genetics
Classification: Uncertain significance for Short-rib thoracic dysplasia 10 with or without polydactyly; Retinitis pigmentosa 71; Bardet-Biedl syndrome 20. Last evaluated: 2022-05-05. Review status: criteria provided, single submitter. Criteria: ACMG Guidelines, 2015. Collection method: clinical testing. Allele origin: unknown.